The following is an entry in ClinVar:

NM_001371272.1(RAB11FIP5):c.3854G>A (p.Arg1285Gln)

Gene: RAB11FIP5 (RAB11 family interacting protein 5; minus strand). Cytogenetic location: 2p13.2.
Variant type: single nucleotide variant.
Coding change: c.3854G>A on transcript NM_001371272.1 (MANE Select); coding-DNA position 3854, G replaced by A.
Protein change: p.Arg1285Gln; replaces arginine 1285 with glutamine.
Molecular consequence: missense variant.
Genome position (GRCh38, 1-based): chr2:73,075,642, C>T on the plus strand (G>A on the coding strand, the complement: RAB11FIP5 is on the minus strand). VCF-style: chr2-73075642-C-T. GRCh37 (hg19) VCF-style: chr2-73302770-C-T.
Other names: c.1841G>A, p.Arg614Gln (NM_015470.3); short protein forms R1285Q, R614Q.
Identifiers: ClinVar variation 3051484 (VCV003051484.2), dbSNP rs149668700, ClinGen allele CA1709887.

ClinVar aggregate classification (germline): Likely benign (0 of 4 stars; one submission).

Conditions:
RAB11FIP5-related disorder. Also called: RAB11FIP5-related condition.

Allele frequency attached by ClinVar (database versions not stated): ExAC 0.00055; ESP Exome Variant Server 0.00154; 1000 Genomes Project 0.00160; 1000 Genomes Project 30x 0.00187; gnomAD 0.00187; TOPMed 0.00205.

Submission:

PreventionGenetics, part of Exact Sciences
Classification: Likely benign for RAB11FIP5-related condition. Last evaluated: 2020-02-03. Review status: no assertion criteria provided. Collection method: clinical testing. Allele origin: germline.
Comment: This variant is classified as likely benign based on ACMG/AMP sequence variant interpretation guidelines (Richards et al. 2015 PMID: 25741868, with internal and published modifications).